The following is an entry in ClinVar:

NM_018263.6(ASXL2):c.4284C>T (p.Cys1428=)

Gene: ASXL2 (ASXL transcriptional regulator 2; minus strand). Cytogenetic location: 2p23.3.
Variant type: single nucleotide variant.
Coding change: c.4284C>T on transcript NM_018263.6 (MANE Select); coding-DNA position 4284, C replaced by T.
Protein change: p.Cys1428=; no amino-acid change (cysteine 1428 retained).
Molecular consequence: synonymous variant.
Genome position (GRCh38, 1-based): chr2:25,742,053, G>A on the plus strand (C>T on the coding strand, the complement: ASXL2 is on the minus strand). VCF-style: chr2-25742053-G-A. GRCh37 (hg19) VCF-style: chr2-25964922-G-A.
Other names: c.4110C>T, p.Cys1370= (NM_001369346.1); c.3504C>T, p.Cys1168= (NM_001369347.1).
Identifiers: ClinVar variation 799516 (VCV000799516.9), dbSNP rs757588385, ClinGen allele CA1557322.

ClinVar aggregate classification (germline): Likely benign. Review status: criteria provided, single submitter (1 of 4 stars). 2 submissions from 2 submitters: Likely benign (1). 1 of the submissions does not count toward it. Last evaluated 2025-08-30.

Conditions:
ASXL2-related disorder. Also called: ASXL2-related condition.

Allele frequency attached by ClinVar (database versions not stated): gnomAD 0.00001 and 0.00003; TOPMed 0.00001; gnomAD exomes 0.00005; ExAC 0.00007.
gnomAD v4.1: 73 of 1,613,234 alleles (0.0045%); highest among the groups gnomAD compares: South Asian, 0.032%; no homozygotes.

Submissions (2):

Labcorp Genetics (formerly Invitae), Labcorp
Classification: Likely benign. Last evaluated: 2025-08-30. Review status: criteria provided, single submitter. Criteria: Invitae Variant Classification Sherloc (09022015). Collection method: clinical testing. Allele origin: germline.

PreventionGenetics, part of Exact Sciences
Classification: Likely benign for ASXL2-related condition. Last evaluated: 2019-03-01. Review status: no assertion criteria provided. Collection method: clinical testing. Allele origin: germline. Not counted in ClinVar's aggregate classification.
Comment: This variant is classified as likely benign based on ACMG/AMP sequence variant interpretation guidelines (Richards et al. 2015 PMID: 25741868, with internal and published modifications).